The following is an entry in ClinVar:

ClinVar aggregate classification (germline): Likely pathogenic (1 of 4 stars; one submission).

Conditions:
Neuroocular syndrome. Identifiers: MedGen C5551362, MONDO:0859193.

Submission:

3billion
Classification: Likely pathogenic for Neuroocular syndrome 1. Last evaluated: 2022-01-03. Review status: criteria provided, single submitter. Criteria: ACMG Guidelines, 2015. Collection method: clinical testing. Allele origin: germline. Affected: yes. Observed: 1 heterozygote.
Comment: Stop-gained (nonsense): predicted to result in a loss or disruption of normal protein function through nonsense-mediated decay (NMD) or protein truncation. Multiple pathogenic variants are reported downstream of the variant (PVS1_VS). It is not observed in the gnomAD v2.1.1 dataset (PM2_M). Therefore, this variant is classified as likely pathogenic according to the recommendation of ACMG/AMP guideline.

NM_020719.3(PRR12):c.2247C>G (p.Tyr749Ter)

Gene: PRR12 (proline rich 12; plus strand). Cytogenetic location: 19q13.33.
Variant type: single nucleotide variant.
Coding change: c.2247C>G on transcript NM_020719.3 (MANE Select); coding-DNA position 2247, C replaced by G.
Protein change: p.Tyr749Ter; replaces tyrosine 749 with a stop codon.
Molecular consequence: nonsense.
Genome position (GRCh38, 1-based): chr19:49,596,582, C>G. VCF-style: chr19-49596582-C-G. GRCh37 (hg19) VCF-style: chr19-50099839-C-G.
Other names: short protein forms Y749*.
Identifiers: ClinVar variation 1333589 (VCV001333589.1), dbSNP rs369152968, ClinGen allele CA406871293.